The following is an entry in ClinVar:

ClinVar aggregate classification (germline): Pathogenic/Likely pathogenic. Review status: criteria provided, multiple submitters, no conflicts (2 of 4 stars). 3 submissions from 3 submitters: Pathogenic (1); Likely pathogenic (2). Last evaluated 2024-05-07.

Conditions:
Peroxisome biogenesis disorder 14B (PEX14B). Identifiers: Orphanet 44, MedGen C3554055, MONDO:0013967, OMIM 614920.

Allele frequency attached by ClinVar (database versions not stated): gnomAD 0.00001; TOPMed 0.00001.

Submissions (3):

Fulgent Genetics
Classification: Likely pathogenic for Peroxisome biogenesis disorder 14B. Last evaluated: 2024-05-07. Review status: criteria provided, single submitter. Criteria: ACMG Guidelines, 2015. Collection method: clinical testing. Allele origin: germline.

Mendelics
Classification: Pathogenic for Peroxisome biogenesis disorder 14B. Last evaluated: 2022-05-04. Review status: criteria provided, single submitter. Criteria: Mendelics Assertion Criteria 2019. Collection method: clinical testing. Allele origin: germline.

Neuberg Centre For Genomic Medicine, NCGM
Classification: Likely pathogenic for Peroxisome biogenesis disorder 14B. Review status: criteria provided, single submitter. Criteria: ACMG Guidelines, 2015. Collection method: clinical testing. Allele origin: germline. Inheritance: Autosomal recessive inheritance. Affected: yes.
Comment: The initiator codon variant p.M1V in PEX11B (NM_003846.3) has not been reported previously as a pathogenic variant nor as a benign variant, to our knowledge. The p.M1V variant is novel (not in any individuals) in gnomAD Exomes and is novel (not in any individuals) in 1000 Genomes. The p.M1V variant is a loss of function variant in the gene PEX11B, which is intolerant of Loss of Function variants. For these reasons, this variant has been classified as Likely Pathogenic.

NM_003846.3(PEX11B):c.1A>G (p.Met1Val)

Gene: PEX11B (peroxisomal biogenesis factor 11 beta; minus strand). Cytogenetic location: 1q21.1.
Variant type: single nucleotide variant.
Coding change: c.1A>G on transcript NM_003846.3 (MANE Select); coding-DNA position 1, A replaced by G.
Protein change: p.Met1Val; changes the start codon (methionine 1).
Molecular consequence: missense variant, initiator codon variant. On other transcripts: non-coding transcript variant (2).
Genome position (GRCh38, 1-based): chr1:145,918,688, T>C on the plus strand (A>G on the coding strand, the complement: PEX11B is on the minus strand). VCF-style: chr1-145918688-T-C. GRCh37 (hg19) VCF-style: chr1-145516401-A-G.
Other names: short protein forms M1V.
Identifiers: ClinVar variation 1686020 (VCV001686020.4), dbSNP rs782262926, ClinGen allele CA29817484.
Genomic context (GRCh38, chr1:145,918,688, plus strand): 5'-CGCACCTACACAGCCGCTCCCGGGCTTGGCTCTGAGCACTGAAGCGGACCCAGGCGTCCA[T>C]GACAGCCGCAGCCCAGGCTCCGCGGCCCTGCTCCCGCCCCACTTCCCGCCCCTAGTCACG-3'
Protein context (NP_003837.1, residues 1-11): [Met1Val]DAWVRFSAQS